The following is an entry in ClinVar:

ClinVar aggregate classification (germline): Uncertain significance (1 of 4 stars; one submission).

Conditions:
Congenital contractural arachnodactyly (CCA). Also called: Beals-Hecht syndrome; Arthrogryposis, distal, type 9; BEALS SYNDROME. Identifiers: Orphanet 115, MedGen C0220668, MONDO:0007363, OMIM 121050.

Allele frequency attached by ClinVar (database versions not stated): TOPMed below 0.00001.
gnomAD v4.1: 11 of 1,614,038 alleles (0.00068%); highest among the groups gnomAD compares: Non-Finnish European, 0.00076%; no homozygotes.

Submission:

Labcorp Genetics (formerly Invitae), Labcorp
Classification: Uncertain significance for Congenital contractural arachnodactyly. Last evaluated: 2022-01-12. Review status: criteria provided, single submitter. Criteria: Invitae Variant Classification Sherloc (09022015). Collection method: clinical testing. Allele origin: germline.
Comment: ClinVar contains an entry for this variant (Variation ID: 1006692). In summary, the available evidence is currently insufficient to determine the role of this variant in disease. Therefore, it has been classified as a Variant of Uncertain Significance. Advanced modeling of protein sequence and biophysical properties (such as structural, functional, and spatial information, amino acid conservation, physicochemical variation, residue mobility, and thermodynamic stability) performed at Invitae indicates that this missense variant is expected to disrupt FBN2 protein function. This variant has not been reported in the literature in individuals affected with FBN2-related conditions. This variant is present in population databases (no rsID available, gnomAD 0.0009%). This sequence change replaces arginine, which is basic and polar, with cysteine, which is neutral and slightly polar, at codon 703 of the FBN2 protein (p.Arg703Cys).

NM_001999.4(FBN2):c.2107C>T (p.Arg703Cys)

Gene: FBN2 (fibrillin 2; minus strand). Cytogenetic location: 5q23.3.
Variant type: single nucleotide variant.
Coding change: c.2107C>T on transcript NM_001999.4 (MANE Select); coding-DNA position 2107, C replaced by T.
Protein change: p.Arg703Cys; replaces arginine 703 with cysteine.
Molecular consequence: missense variant.
Genome position (GRCh38, 1-based): chr5:128,369,323, G>A on the plus strand (C>T on the coding strand, the complement: FBN2 is on the minus strand). VCF-style: chr5-128369323-G-A. GRCh37 (hg19) VCF-style: chr5-127705016-G-A.
Other names: short protein forms R703C.
Identifiers: ClinVar variation 1006692 (VCV001006692.9), dbSNP rs748861935, ClinGen allele CA360739309.